The following is an entry in ClinVar:

NM_006397.3(RNASEH2A):c.490G>A (p.Val164Ile)

Gene: RNASEH2A (ribonuclease H2 subunit A; plus strand). Cytogenetic location: 19p13.13.
Variant type: single nucleotide variant.
Coding change: c.490G>A on transcript NM_006397.3 (MANE Select); coding-DNA position 490, G replaced by A.
Protein change: p.Val164Ile; replaces valine 164 with isoleucine.
Molecular consequence: missense variant.
Genome position (GRCh38, 1-based): chr19:12,810,149, G>A. VCF-style: chr19-12810149-G-A. GRCh37 (hg19) VCF-style: chr19-12920963-G-A.
Other names: short protein forms V164I.
Identifiers: ClinVar variation 1009591 (VCV001009591.4), dbSNP rs904903620, ClinGen allele CA305493168.

ClinVar aggregate classification (germline): Uncertain significance (1 of 4 stars; one submission).

Conditions:
Aicardi-Goutieres syndrome 4. Identifiers: Orphanet 51, MedGen C1835912, MONDO:0012472, OMIM 610333.

Allele frequency attached by ClinVar (database versions not stated): TOPMed below 0.00001; gnomAD 0.00001 and 0.00002; gnomAD exomes 0.00001.
gnomAD v4.1: 23 of 1,614,144 alleles (0.0014%); highest among the groups gnomAD compares: South Asian, 0.0022%; 1 homozygote.

Submission:

Labcorp Genetics (formerly Invitae), Labcorp
Classification: Uncertain significance for Aicardi-Goutieres syndrome 4. Last evaluated: 2021-12-13. Review status: criteria provided, single submitter. Criteria: Invitae Variant Classification Sherloc (09022015). Collection method: clinical testing. Allele origin: germline.
Comment: This sequence change replaces valine, which is neutral and non-polar, with isoleucine, which is neutral and non-polar, at codon 164 of the RNASEH2A protein (p.Val164Ile). This variant is not present in population databases (gnomAD no frequency). This variant has not been reported in the literature in individuals affected with RNASEH2A-related conditions. ClinVar contains an entry for this variant (Variation ID: 1009591). Algorithms developed to predict the effect of missense changes on protein structure and function (SIFT, PolyPhen-2, Align-GVGD) all suggest that this variant is likely to be disruptive. In summary, the available evidence is currently insufficient to determine the role of this variant in disease. Therefore, it has been classified as a Variant of Uncertain Significance.